The following is an entry in ClinVar:

NM_005221.6(DLX5):c.97G>T (p.Glu33Ter)

Gene: DLX5 (distal-less homeobox 5; minus strand). Cytogenetic location: 7q21.3.
Variant type: single nucleotide variant.
Coding change: c.97G>T on transcript NM_005221.6 (MANE Select); coding-DNA position 97, G replaced by T.
Protein change: p.Glu33Ter; replaces glutamic acid 33 with a stop codon.
Molecular consequence: nonsense.
Genome position (GRCh38, 1-based): chr7:97,024,527, C>A on the plus strand (G>T on the coding strand, the complement: DLX5 is on the minus strand). VCF-style: chr7-97024527-C-A. GRCh37 (hg19) VCF-style: chr7-96653839-C-A.
Other names: short protein forms E33*.
Identifiers: ClinVar variation 5018999 (VCV005018999.2).
Genomic context (GRCh38, chr7:97,024,527, plus strand): 5'-CCCCCGTAGGGCTGTAGTAGTCAGAATCGGTAGCTGAAGACTCGGGCAAAGTTGGCGATT[C>A]CTGAGACGGATGGTGCATAGCTGCGGACGTCTGGAACGGAGCTTGGAAGTCGCCGGATCG-3'

ClinVar aggregate classification (germline): Uncertain significance (1 of 4 stars; one submission).

Conditions:
Split hand-foot malformation 1. Also called: Split-hand/foot malformation 1; Split hand foot deformity 1; Split hand malformation1; Split hand deformity 1; SPLIT-HAND DEFORMITY; SPLIT-HAND/FOOT DEFORMITY 1. Identifiers: Orphanet 2440, MedGen C2931019, MONDO:0008464, OMIM 183600.
Split hand-foot malformation 1 with sensorineural hearing loss. Also called: SPLIT-HAND/FOOT MALFORMATION 1 WITH SENSORINEURAL HEARING LOSS, AUTOSOMAL RECESSIVE; DEAFNESS, CONGENITAL, WITH SPLIT HANDS AND FEET. Identifiers: Orphanet 71271, MedGen C1857344, MONDO:0009080, OMIM 220600.

Submission:

Juno Genomics, Hangzhou Juno Genomics, Inc
Classification: Uncertain significance for Split hand-foot malformation 1; Split hand-foot malformation 1 with sensorineural hearing loss. Review status: criteria provided, single submitter. Criteria: ACMG Guidelines, 2015. Collection method: clinical testing. Allele origin: germline.
Comment: Absent from controls (or at extremely low frequency if recessive) in Genome Aggregation Database.